The following is an entry in ClinVar:

NM_015354.3(NUP188):c.3204C>T (p.Ile1068=)

Gene: NUP188 (nucleoporin 188; plus strand). Cytogenetic location: 9q34.11.
Variant type: single nucleotide variant.
Coding change: c.3204C>T on transcript NM_015354.3 (MANE Select); coding-DNA position 3204, C replaced by T.
Protein change: p.Ile1068=; no amino-acid change (isoleucine 1068 retained).
Molecular consequence: synonymous variant.
Genome position (GRCh38, 1-based): chr9:128,995,367, C>T. VCF-style: chr9-128995367-C-T. GRCh37 (hg19) VCF-style: chr9-131757646-C-T.
Identifiers: ClinVar variation 3044776 (VCV003044776.16), dbSNP rs61737633, ClinGen allele CA5272893.

ClinVar aggregate classification (germline): Likely benign. Review status: criteria provided, single submitter (1 of 4 stars). 2 submissions from 2 submitters: Likely benign (1). 1 of the submissions does not count toward it. Last evaluated 2024-09-01.

Conditions:
NUP188-related disorder. Also called: NUP188-related condition.

Allele frequency attached by ClinVar (database versions not stated): gnomAD exomes 0.00015; ExAC 0.00052; 1000 Genomes Project 30x 0.00156; 1000 Genomes Project 0.00160; gnomAD 0.00165; ESP Exome Variant Server 0.00215.
gnomAD v4.1: 477 of 1,614,114 alleles (0.03%); highest among the groups gnomAD compares: African/African-American, 0.57%; 1 homozygote.

Submissions (2):

CeGaT Center for Human Genetics Tuebingen
Classification: Likely benign. Last evaluated: 2024-09-01. Review status: criteria provided, single submitter. Criteria: CeGaT Center For Human Genetics Tuebingen Variant Classification Criteria Version 2. Collection method: clinical testing. Allele origin: germline. Affected: yes. Observed: 1 variant allele.
Comment: NUP188: BP4, BP7

PreventionGenetics, part of Exact Sciences
Classification: Likely benign for NUP188-related condition. Last evaluated: 2023-02-20. Review status: no assertion criteria provided. Collection method: clinical testing. Allele origin: germline. Not counted in ClinVar's aggregate classification.
Comment: This variant is classified as likely benign based on ACMG/AMP sequence variant interpretation guidelines (Richards et al. 2015 PMID: 25741868, with internal and published modifications).